The following is an entry in ClinVar:

NM_001039141.3(TRIOBP):c.6692G>A (p.Arg2231His)

Gene: TRIOBP (TRIO and F-actin binding protein; plus strand). Cytogenetic location: 22q13.1.
Variant type: single nucleotide variant.
Coding change: c.6692G>A on transcript NM_001039141.3 (MANE Select); coding-DNA position 6692, G replaced by A.
Protein change: p.Arg2231His; replaces arginine 2231 with histidine.
Molecular consequence: missense variant.
Genome position (GRCh38, 1-based): chr22:37,769,144, G>A. VCF-style: chr22-37769144-G-A. GRCh37 (hg19) VCF-style: chr22-38165151-G-A.
Other names: c.1553G>A, p.Arg518His (NM_007032.5); short protein forms R2231H, R518H.
Identifiers: ClinVar variation 3368891 (VCV003368891.3).

ClinVar aggregate classification (germline): Uncertain significance. Review status: criteria provided, multiple submitters, no conflicts (2 of 4 stars). 2 submissions from 2 submitters: Uncertain significance (2). Last evaluated 2024-10-11.

gnomAD v4.1: 36 of 1,612,020 alleles (0.0022%); highest among the groups gnomAD compares: East Asian, 0.036%; no homozygotes.

Submissions (2):

Labcorp Genetics (formerly Invitae), Labcorp
Classification: Uncertain significance. Last evaluated: 2024-10-11. Review status: criteria provided, single submitter. Criteria: Invitae Variant Classification Sherloc (09022015). Collection method: clinical testing. Allele origin: germline.
Comment: This sequence change replaces arginine, which is basic and polar, with histidine, which is basic and polar, at codon 2231 of the TRIOBP protein (p.Arg2231His). This variant is present in population databases (rs61729062, gnomAD 0.02%). This variant has not been reported in the literature in individuals affected with TRIOBP-related conditions. An algorithm developed to predict the effect of missense changes on protein structure and function (PolyPhen-2) suggests that this variant is likely to be disruptive. In summary, the available evidence is currently insufficient to determine the role of this variant in disease. Therefore, it has been classified as a Variant of Uncertain Significance.

GeneDx
Classification: Uncertain significance. Last evaluated: 2024-02-08. Review status: criteria provided, single submitter. Criteria: GeneDx Variant Classification Process June 2021. Collection method: clinical testing. Allele origin: germline. Affected: yes.
Comment: In silico analysis supports that this missense variant has a deleterious effect on protein structure/function; Has not been previously published as pathogenic or benign to our knowledge